The following is an entry in ClinVar:

ClinVar aggregate classification (germline): Uncertain significance (1 of 4 stars; one submission).

Conditions:
Combined immunodeficiency due to MALT1 deficiency. Also called: Immunodeficiency 12. Identifiers: Orphanet 397964, MedGen C3809583, MONDO:0014197, OMIM 615468.

Allele frequency attached by ClinVar (database versions not stated): TOPMed 0.00001.

Submission:

Labcorp Genetics (formerly Invitae), Labcorp
Classification: Uncertain significance for Combined immunodeficiency due to MALT1 deficiency. Last evaluated: 2019-01-24. Review status: criteria provided, single submitter. Criteria: Invitae Variant Classification Sherloc (09022015). Collection method: clinical testing. Allele origin: germline.
Comment: This variant is not present in population databases (ExAC no frequency). In summary, the available evidence is currently insufficient to determine the role of this variant in disease. Therefore, it has been classified as a Variant of Uncertain Significance. Algorithms developed to predict the effect of missense changes on protein structure and function are either unavailable or do not agree on the potential impact of this missense change (SIFT: "Deleterious"; PolyPhen-2: "Probably Damaging"; Align-GVGD: "Class C0"). This variant has not been reported in the literature in individuals with MALT1-related conditions. This sequence change replaces arginine with threonine at codon 435 of the MALT1 protein (p.Arg435Thr). The arginine residue is highly conserved and there is a moderate physicochemical difference between arginine and threonine.

NM_006785.4(MALT1):c.1304G>C (p.Arg435Thr)

Gene: MALT1 (MALT1 paracaspase; plus strand). Cytogenetic location: 18q21.32.
Variant type: single nucleotide variant.
Coding change: c.1304G>C on transcript NM_006785.4 (MANE Select); coding-DNA position 1304, G replaced by C.
Protein change: p.Arg435Thr; replaces arginine 435 with threonine.
Molecular consequence: missense variant.
Genome position (GRCh38, 1-based): chr18:58,733,478, G>C. VCF-style: chr18-58733478-G-C. GRCh37 (hg19) VCF-style: chr18-56400710-G-C.
Other names: c.1271G>C, p.Arg424Thr (NM_173844.3); short protein forms R424T, R435T.
Identifiers: ClinVar variation 840369 (VCV000840369.9), dbSNP rs974213580, ClinGen allele CA402574633.
Genomic context (GRCh38, chr18:58,733,478, plus strand): 5'-ATGGTTATGAAAATTTTGGGAACAGCTTCATGGTCCCCGTTGATGCTCCAAATCCATATA[G>C]GTCTGAAAATTGTCTGTGTGTACAAAATATACTGAAATTGATGCAAGAAAAAGAAACTGG-3'
Protein context (NP_006776.1, residues 425-445): MVPVDAPNPY[Arg435Thr]SENCLCVQNI